The following is an entry in ClinVar:

NM_000397.4(CYBB):c.1215G>A (p.Met405Ile)

Gene: CYBB (cytochrome b-245 beta chain; plus strand). Cytogenetic location: Xp11.4.
Variant type: single nucleotide variant.
Coding change: c.1215G>A on transcript NM_000397.4 (MANE Select); coding-DNA position 1215, G replaced by A.
Protein change: p.Met405Ile; replaces methionine 405 with isoleucine.
Molecular consequence: missense variant.
Genome position (GRCh38, 1-based): chrX:37,805,069, G>A. VCF-style: chrX-37805069-G-A. GRCh37 (hg19) VCF-style: chrX-37664322-G-A.
Other names: short protein forms M405I.
Identifiers: ClinVar variation 3675389 (VCV003675389.2).

ClinVar aggregate classification (germline): Uncertain significance (1 of 4 stars; one submission).

Conditions:
Granulomatous disease, chronic, X-linked. Also called: CYTOCHROME b-NEGATIVE GRANULOMATOUS DISEASE, CHRONIC, X-LINKED; GRANULOMATOUS DISEASE, CHRONIC, X-LINKED, SOMATIC MOSAIC. Identifiers: Orphanet 379, MedGen C1844376, MONDO:0010600, OMIM 306400.

Submission:

Labcorp Genetics (formerly Invitae), Labcorp
Classification: Uncertain significance for Granulomatous disease, chronic, X-linked. Last evaluated: 2025-01-21. Review status: criteria provided, single submitter. Criteria: Invitae Variant Classification Sherloc (09022015). Collection method: clinical testing. Allele origin: germline.
Comment: This sequence change replaces methionine, which is neutral and non-polar, with isoleucine, which is neutral and non-polar, at codon 405 of the CYBB protein (p.Met405Ile). This variant is not present in population databases (gnomAD no frequency). This variant has not been reported in the literature in individuals affected with CYBB-related conditions. Invitae Evidence Modeling of protein sequence and biophysical properties (such as structural, functional, and spatial information, amino acid conservation, physicochemical variation, residue mobility, and thermodynamic stability) indicates that this missense variant is not expected to disrupt CYBB protein function with a negative predictive value of 80%. In summary, the available evidence is currently insufficient to determine the role of this variant in disease. Therefore, it has been classified as a Variant of Uncertain Significance.